The following is an entry in ClinVar:

ClinVar aggregate classification (germline): Uncertain significance (1 of 4 stars; one submission).

Allele frequency attached by ClinVar (database versions not stated): gnomAD exomes 0.00002; ExAC 0.00006.
gnomAD v4.1: 22 of 1,610,254 alleles (0.0014%); highest among the groups gnomAD compares: South Asian, 0.024%; no homozygotes.

Submission:

GeneDx
Classification: Uncertain significance. Last evaluated: 2024-11-22. Review status: criteria provided, single submitter. Criteria: GeneDx Variant Classification Process June 2021. Collection method: clinical testing. Allele origin: germline.
Comment: In silico analysis indicates that this missense variant does not alter protein structure/function; Has not been previously published as pathogenic or benign to our knowledge

NM_015465.5(GEMIN5):c.2647G>A (p.Val883Met)

Gene: GEMIN5 (gem nuclear organelle associated protein 5; minus strand). Cytogenetic location: 5q33.2.
Variant type: single nucleotide variant.
Coding change: c.2647G>A on transcript NM_015465.5 (MANE Select); coding-DNA position 2647, G replaced by A.
Protein change: p.Val883Met; replaces valine 883 with methionine.
Molecular consequence: missense variant.
Genome position (GRCh38, 1-based): chr5:154,903,161, C>T on the plus strand (G>A on the coding strand, the complement: GEMIN5 is on the minus strand). VCF-style: chr5-154903161-C-T. GRCh37 (hg19) VCF-style: chr5-154282721-C-T.
Other names: c.2644G>A, p.Val882Met (NM_001252156.2); short protein forms V882M, V883M.
Identifiers: ClinVar variation 2504791 (VCV002504791.2), dbSNP rs762512778, ClinGen allele CA3528610.